The following is an entry in ClinVar:

Single allele

Genes: CEP85L (centrosomal protein 85L; minus strand), PLN (phospholamban; plus strand). Cytogenetic location: 6q22.31.
Variant type: Duplication.
Identifiers: ClinVar variation 559395 (VCV000559395.1).

ClinVar aggregate classification (germline): Uncertain significance (0 of 4 stars; one submission).

Conditions:
Ebstein anomaly. Also called: Ebstein anomaly of the tricuspid valve; Ebstein's anomaly of the tricuspid valve. Identifiers: Orphanet 1880, MedGen C0013481, MONDO:0009144, OMIM 224700, HP:0010316.
Mild intellectual disability. Identifiers: MedGen C0026106, HP:0001256.
Decreased response to growth hormone stimulation test. Also called: Growth hormone deficiency. Identifiers: MedGen C5539399, HP:0000824.

Submission:

Medical Genetics Lab, Policlinico S. Orsola.Malpighi
Classification: Uncertain significance for Mild intellectual disability; Ebstein anomaly; Decreased response to growth hormone stimulation test. Last evaluated: 2018-05-01. Review status: no assertion criteria provided. Collection method: clinical testing. Allele origin: de novo. Affected: yes.
Comment: This is a small, rare, de novo duplication. Three genes are involved but none is known to be relevant for neurologic development.